The following is an entry in ClinVar:

ClinVar aggregate classification (germline): Likely pathogenic (1 of 4 stars; one submission).

Conditions:
Glycine encephalopathy. Also called: Non-ketotic hyperglycinemia; Nonketotic hyperglycinemia. Identifiers: Orphanet 407, MedGen C0751748, MONDO:0011612, HP:0008288.

Submission:

Myriad Genetics, Inc.
Classification: Likely pathogenic for Glycine encephalopathy 1. Last evaluated: 2019-06-07. Review status: criteria provided, single submitter. Criteria: Myriad Women's Health Autosomal Recessive and X-Linked Classification Criteria (2019). Collection method: clinical testing. Allele origin: unknown.
Comment: NM_000170.2(GLDC):c.552T>A(C184*) is expected to be pathogenic in the context of GLDC-related glycine encephalopathy. This variant is predicted to lead to an abnormal or absent protein product due to the creation of a premature termination codon in GLDC, a gene where loss-of-function variants are known to be pathogenic. Please note: this variant was assessed in the context of healthy population screening.

NM_000170.3(GLDC):c.552T>A (p.Cys184Ter)

Gene: GLDC (glycine decarboxylase; minus strand). Cytogenetic location: 9p24.1.
Variant type: single nucleotide variant.
Coding change: c.552T>A on transcript NM_000170.3 (MANE Select); coding-DNA position 552, T replaced by A.
Protein change: p.Cys184Ter; replaces cysteine 184 with a stop codon.
Molecular consequence: nonsense.
Genome position (GRCh38, 1-based): chr9:6,610,275, A>T on the plus strand (T>A on the coding strand, the complement: GLDC is on the minus strand). VCF-style: chr9-6610275-A-T. GRCh37 (hg19) VCF-style: chr9-6610275-A-T.
Other names: short protein forms C184*.
Identifiers: ClinVar variation 984333 (VCV000984333.3), dbSNP rs759699162, ClinGen allele CA372898380.
Genomic context (GRCh38, chr9:6,610,275, plus strand): 5'-TGCGGCTGCAGTCCCCTCATCCAGCAGGGATGCATTGGCCATGTCCAGGCCTGTGATGTC[A>T]CACACCATGGTCTGGTAGTTGAGTAAACTCTCCAGCCTCCCCTGAGACACCTCAGGCTGG-3'